The following is an entry in ClinVar:

ClinVar aggregate classification (germline): Uncertain significance (1 of 4 stars; one submission).

Conditions:
Inborn genetic diseases. Identifiers: MedGen C0950123, MeSH D030342.

Allele frequency attached by ClinVar (database versions not stated): TOPMed below 0.00001; ExAC 0.00001.
gnomAD v4.1: 1 of 1,543,916 alleles (0.000065%); highest among the groups gnomAD compares: Non-Finnish European, 0.000087%; no homozygotes.

Submission:

Ambry Genetics
Classification: Uncertain significance for Inborn genetic diseases. Last evaluated: 2021-11-09. Review status: criteria provided, single submitter. Criteria: Ambry Variant Classification Scheme 2023. Collection method: clinical testing. Allele origin: germline.
Comment: The p.Q800E variant (also known as c.2398C>G), located in coding exon 17 of the MIB1 gene, results from a C to G substitution at nucleotide position 2398. The glutamine at codon 800 is replaced by glutamic acid, an amino acid with highly similar properties. This amino acid position is conserved. In addition, the in silico prediction for this alteration is inconclusive. Since supporting evidence is limited at this time, the clinical significance of this alteration remains unclear.

NM_020774.4(MIB1):c.2398C>G (p.Gln800Glu)

Gene: MIB1 (MIB E3 ubiquitin protein ligase 1; plus strand). Cytogenetic location: 18q11.2.
Variant type: single nucleotide variant.
Coding change: c.2398C>G on transcript NM_020774.4 (MANE Select); coding-DNA position 2398, C replaced by G.
Protein change: p.Gln800Glu; replaces glutamine 800 with glutamic acid.
Molecular consequence: missense variant.
Genome position (GRCh38, 1-based): chr18:21,849,200, C>G. VCF-style: chr18-21849200-C-G. GRCh37 (hg19) VCF-style: chr18-19429161-C-G.
Other names: short protein forms Q800E.
Identifiers: ClinVar variation 1790645 (VCV001790645.2), dbSNP rs746786519, ClinGen allele CA8908606.
Genomic context (GRCh38, chr18:21,849,200, plus strand): 5'-TTAATTAGTGAATTTGTAATAAGATAGGCTTGATTTGAAATACTTTCTTTTATTAGTGGT[C>G]AAGTGGGTTCTCGGAGTCCTTCTATGATTAGTAATGATTCTGAAACCTTAGAAGAGTGTA-3'
Protein context (NP_065825.1, residues 790-810): AKCHKEKVSG[Gln800Glu]VGSRSPSMIS